The following is an entry in ClinVar:

NM_033517.1:c.2227_2228del

Gene: SHANK3 (SH3 and multiple ankyrin repeat domains 3; plus strand).
Variant type: Deletion.
Other names: c.2227_2228del (NM_033517.1).
Identifiers: ClinVar variation 4083431 (VCV004083431.1).

ClinVar aggregate classification (germline): Uncertain significance (1 of 4 stars; one submission).

Submission:

GeneDx
Classification: Uncertain significance. Last evaluated: 2025-03-10. Review status: criteria provided, single submitter. Criteria: GeneDx Variant Classification Process June 2021. Collection method: clinical testing. Allele origin: germline. Affected: yes.
Comment: Not observed at significant frequency in large population cohorts (gnomAD); Loss-of-function variant in the 5' region of the gene where loss-of-function has not been definitively established as a disease mechanism (PMID: 28179641); Has not been previously published as pathogenic or benign to our knowledge; This variant is associated with the following publications: (PMID: 28179641)